The following is an entry in ClinVar:

NM_144670.6(A2ML1):c.2233G>T (p.Gly745Cys)

Gene: A2ML1 (alpha-2-macroglobulin like 1; plus strand). Cytogenetic location: 12p13.31.
Variant type: single nucleotide variant.
Coding change: c.2233G>T on transcript NM_144670.6 (MANE Select); coding-DNA position 2233, G replaced by T.
Protein change: p.Gly745Cys; replaces glycine 745 with cysteine.
Molecular consequence: missense variant.
Genome position (GRCh38, 1-based): chr12:8,850,273, G>T. VCF-style: chr12-8850273-G-T. GRCh37 (hg19) VCF-style: chr12-9002869-G-T.
Other names: c.760G>T, p.Gly254Cys (NM_001282424.3); short protein forms G254C, G745C.
Identifiers: ClinVar variation 2449333 (VCV002449333.2), dbSNP rs2539251972, ClinGen allele CA383832457.

ClinVar aggregate classification (germline): Uncertain significance (1 of 4 stars; one submission).

gnomAD v4.1: 1 of 1,607,448 alleles (0.000062%); no homozygotes.

Submission:

Ambry Genetics
Classification: Uncertain significance. Last evaluated: 2022-12-04. Review status: criteria provided, single submitter. Criteria: Ambry Variant Classification Scheme 2023. Collection method: clinical testing. Allele origin: germline.
Comment: The p.G745C variant (also known as c.2233G>T), located in coding exon 18 of the A2ML1 gene, results from a G to T substitution at nucleotide position 2233. The glycine at codon 745 is replaced by cysteine, an amino acid with highly dissimilar properties. This amino acid position is conserved. In addition, this alteration is predicted to be tolerated by in silico analysis. Since supporting evidence is limited at this time, the clinical significance of this alteration remains unclear.